The following is an entry in ClinVar:

ClinVar aggregate classification (germline): Uncertain significance (1 of 4 stars; one submission).

Conditions:
Neuropathy, hereditary sensory and autonomic, type 2A (HSAN2A). Also called: WNK1-Related HSAN2 (HSAN2A); ACROOSTEOLYSIS, GIACCAI TYPE; ACROOSTEOLYSIS, NEUROGENIC; MORVAN DISEASE; NEUROPATHY, CONGENITAL SENSORY; NEUROPATHY, HEREDITARY SENSORY RADICULAR, AUTOSOMAL RECESSIVE. Identifiers: Orphanet 970, MedGen C2752089, MONDO:0024309, OMIM 201300.
Pseudohypoaldosteronism type 2C (PHA2C). Also called: Pseudohypoaldosteronism Type IIC. Identifiers: Orphanet 757, Orphanet 88940, MedGen C1840391, MONDO:0013778, OMIM 614492.

Submission:

Labcorp Genetics (formerly Invitae), Labcorp
Classification: Uncertain significance for Neuropathy, hereditary sensory and autonomic, type 2A; Pseudohypoaldosteronism type 2C. Last evaluated: 2025-04-09. Review status: criteria provided, single submitter. Criteria: Invitae Variant Classification Sherloc (09022015). Collection method: clinical testing. Allele origin: germline.
Comment: This sequence change replaces isoleucine, which is neutral and non-polar, with leucine, which is neutral and non-polar, at codon 460 of the WNK1 protein (p.Ile460Leu). This variant is not present in population databases (gnomAD no frequency). This variant has not been reported in the literature in individuals affected with WNK1-related conditions. Invitae Evidence Modeling of protein sequence and biophysical properties (such as structural, functional, and spatial information, amino acid conservation, physicochemical variation, residue mobility, and thermodynamic stability) indicates that this missense variant is not expected to disrupt WNK1 protein function with a negative predictive value of 95%. In summary, the available evidence is currently insufficient to determine the role of this variant in disease. Therefore, it has been classified as a Variant of Uncertain Significance.

NM_018979.4(WNK1):c.1378A>T (p.Ile460Leu)

Gene: WNK1 (WNK lysine deficient protein kinase 1; plus strand). Cytogenetic location: 12p13.33.
Variant type: single nucleotide variant.
Coding change: c.1378A>T on transcript NM_018979.4 (MANE Select); coding-DNA position 1378, A replaced by T.
Protein change: p.Ile460Leu; replaces isoleucine 460 with leucine.
Molecular consequence: missense variant.
Genome position (GRCh38, 1-based): chr12:857,227, A>T. VCF-style: chr12-857227-A-T. GRCh37 (hg19) VCF-style: chr12-966393-A-T.
Other names: c.1378A>T, p.Ile460Leu (NM_001184985.2, NM_014823.3, NM_213655.5); short protein forms I460L.
Identifiers: ClinVar variation 4789461 (VCV004789461.1).